The following is an entry in ClinVar:

NM_001365479.2(USP40):c.94C>T (p.Pro32Ser)

Gene: USP40 (ubiquitin specific peptidase 40; minus strand). Cytogenetic location: 2q37.1.
Variant type: single nucleotide variant.
Coding change: c.94C>T on transcript NM_001365479.2 (MANE Select); coding-DNA position 94, C replaced by T.
Protein change: p.Pro32Ser; replaces proline 32 with serine.
Molecular consequence: missense variant. On other transcripts: non-coding transcript variant (6).
Genome position (GRCh38, 1-based): chr2:233,565,461, G>A on the plus strand (C>T on the coding strand, the complement: USP40 is on the minus strand). VCF-style: chr2-233565461-G-A. GRCh37 (hg19) VCF-style: chr2-234474107-G-A.
Other names: c.94C>T, p.Pro32Ser (NM_001382295.1, NM_001382296.1, NM_001382297.1 and 6 more transcripts); short protein forms P32S.
Identifiers: ClinVar variation 2351594 (VCV002351594.2), dbSNP rs746716991, ClinGen allele CA67571771.

ClinVar aggregate classification (germline): Uncertain significance (1 of 4 stars; one submission).

Allele frequency attached by ClinVar (database versions not stated): gnomAD exomes 0.00008; gnomAD 0.00009; TOPMed 0.00022.
gnomAD v4.1: 124 of 1,537,114 alleles (0.0081%); highest among the groups gnomAD compares: Admixed American, 0.027%; no homozygotes.

Submission:

Ambry Genetics
Classification: Uncertain significance. Last evaluated: 2021-07-08. Review status: criteria provided, single submitter. Criteria: Ambry Variant Classification Scheme 2023. Collection method: clinical testing. Allele origin: germline.
Comment: The c.130C>T (p.P44S) alteration is located in exon (coding exon ) of the USP40 gene. This alteration results from a C to T substitution at nucleotide position 130, causing the proline (P) at amino acid position 44 to be replaced by a serine (S). Based on insufficient or conflicting evidence, the clinical significance of this alteration remains unclear.